The following is an entry in ClinVar:

NM_022124.6(CDH23):c.4879G>A (p.Glu1627Lys)

Gene: CDH23 (cadherin related 23; plus strand). Cytogenetic location: 10q22.1.
Variant type: single nucleotide variant.
Coding change: c.4879G>A on transcript NM_022124.6 (MANE Select); coding-DNA position 4879, G replaced by A.
Protein change: p.Glu1627Lys; replaces glutamic acid 1627 with lysine.
Molecular consequence: missense variant.
Genome position (GRCh38, 1-based): chr10:71,777,713, G>A. VCF-style: chr10-71777713-G-A. GRCh37 (hg19) VCF-style: chr10-73537470-G-A.
Other names: short protein forms E1627K.
Identifiers: ClinVar variation 505209 (VCV000505209.4), dbSNP rs755926639, ClinGen allele CA5545577.

ClinVar aggregate classification (germline): Uncertain significance (1 of 4 stars; one submission).

Allele frequency attached by ClinVar (database versions not stated): gnomAD exomes below 0.00001; ExAC 0.00001.
gnomAD v4.1: 1 of 1,613,322 alleles (0.000062%); highest among the groups gnomAD compares: South Asian, 0.0011%; no homozygotes.

Submission:

Laboratory for Molecular Medicine, Mass General Brigham Personalized Medicine
Classification: Uncertain significance. Last evaluated: 2016-08-02. Review status: criteria provided, single submitter. Criteria: LMM Criteria. Collection method: clinical testing. Allele origin: germline. Observed: 1 variant allele.
Comment: The p.Glu1627Lys variant in CDH23 has not been previously reported in individual s with hearing loss or Usher syndrome, but it has been identified in 1/14360 Sou th Asian chromosomes by the Exome Aggregation Consortium (ExAC; dbSNP rs755926639). Computational prediction tools and conservat ion analyses suggest that this variant may impact the protein, though this infor mation is not predictive enough to determine pathogenicity. In summary, the clin ical significance of the p.Glu1627Lys variant is uncertain.